The following is an entry in ClinVar:

NM_000110.4(DPYD):c.1627A>G (p.Ile543Val)

Gene: DPYD (dihydropyrimidine dehydrogenase; minus strand). Cytogenetic location: 1p21.3.
Variant type: single nucleotide variant.
Coding change: c.1627A>G on transcript NM_000110.4 (MANE Select); coding-DNA position 1627, A replaced by G.
Protein change: p.Ile543Val; replaces isoleucine 543 with valine.
Molecular consequence: missense variant.
Genome position (GRCh38, 1-based): chr1:97,515,839, T>C on the plus strand (A>G on the coding strand, the complement: DPYD is on the minus strand). VCF-style: chr1-97515839-T-C. GRCh37 (hg19) VCF-style: chr1-97981395-T-C.
Other names: short protein forms I543V.
Identifiers: ClinVar variation 100092 (VCV000100092.39), dbSNP rs1801159, ClinGen allele CA200992.

ClinVar aggregate classification (germline): drug response. Review status: reviewed by expert panel (3 of 4 stars). 12 submissions from 11 submitters: drug response (2). 10 of the submissions do not count toward it. Last evaluated 2021-03-24.

Conditions:
DPYD-related disorder. Also called: DPYD-related condition.
fluorouracil response - Toxicity.
capecitabine response - Toxicity.
Dihydropyrimidine dehydrogenase deficiency (DPYDD). Also called: DPD DEFICIENCY; DPYD DEFICIENCY; Hereditary Thymine-Uraciluria. Identifiers: Orphanet 1675, MedGen C1959620, MONDO:0010130, OMIM 274270.

Allele frequency attached by ClinVar (database versions not stated): ESP Exome Variant Server 0.18361; 1000 Genomes Project 30x 0.18379; 1000 Genomes Project 0.18490; gnomAD 0.18640 and 0.18679; ExAC 0.19296; TOPMed 0.19498; gnomAD exomes 0.19575 and 0.19766.
gnomAD v4.1: 314,000 of 1,612,714 alleles (19%); highest among the groups gnomAD compares: Admixed American, 28%; 31,976 homozygotes.

Submissions (12):

ClinPGx
Classification: drug response for capecitabine response - Toxicity. Last evaluated: 2021-03-24. Review status: reviewed by expert panel. Criteria: Pharmacogenomics knowledge for personalized medicine. Collection method: curation. Allele origin: germline. Affected: yes.
Comment: PharmGKB Level of Evidence 1A: Level 1A clinical annotations describe variant-drug combinations that have variant-specific prescribing guidance available in a current clinical guideline annotation or an FDA-approved drug label annotation. Annotations of drug labels or clinical guidelines must give prescribing guidance for specific variants (e.g. CYP2C9*3, HLA-B*57:01) or provide mapping from defined allele functions to diplotypes and phenotypes to be used as supporting evidence for a level 1A clinical annotation. Level 1A clinical annotations must also be supported by at least one publication in addition to a clinical guideline or drug label with variant-specific prescribing guidance.

Drug is not necessarily used to treat response condition

ClinPGx
Classification: drug response for fluorouracil response - Toxicity. Last evaluated: 2021-03-24. Review status: reviewed by expert panel. Criteria: Pharmacogenomics knowledge for personalized medicine. Collection method: curation. Allele origin: germline. Affected: yes.
Comment: the same text as in the submission from ClinPGx above.

CeGaT Center for Human Genetics Tuebingen
Classification: Benign. Last evaluated: 2025-06-01. Review status: criteria provided, single submitter. Criteria: CeGaT Center For Human Genetics Tuebingen Variant Classification Criteria Version 2. Collection method: clinical testing. Allele origin: germline. Affected: yes. Observed: 11 variant alleles. Not counted in ClinVar's aggregate classification.
Comment: DPYD: BP4, BS1, BS2

Blueprint Genetics
Classification: Likely benign. Last evaluated: 2024-11-26. Review status: criteria provided, single submitter. Criteria: ACMG Guidelines, 2015. Collection method: clinical testing. Allele origin: germline. Not counted in ClinVar's aggregate classification.

Genome-Nilou Lab
Classification: Benign for Dihydropyrimidine dehydrogenase deficiency. Last evaluated: 2023-04-11. Review status: criteria provided, single submitter. Criteria: ACMG Guidelines, 2015. Collection method: clinical testing. Allele origin: germline. Affected: no. Not counted in ClinVar's aggregate classification.

Illumina Laboratory Services, Illumina
Classification: Benign for Dihydropyrimidine dehydrogenase deficiency. Last evaluated: 2018-03-06. Review status: criteria provided, single submitter. Criteria: ICSL Variant Classification Criteria 13 December 2019. Collection method: clinical testing. Allele origin: germline. Not counted in ClinVar's aggregate classification.
Comment: This variant was observed in the ICSL laboratory as part of a predisposition screen in an ostensibly healthy population. It had not been previously curated by ICSL or reported in the Human Gene Mutation Database (HGMD: prior to June 1st, 2018), and was therefore a candidate for classification through an automated scoring system. Utilizing variant allele frequency, disease prevalence and penetrance estimates, and inheritance mode, an automated score was calculated to assess if this variant is too frequent to cause the disease. Based on the score and internal cut-off values, a variant classified as benign is not then subjected to further curation. The score for this variant resulted in a classification of benign for this disease.

Athena Diagnostics
Classification: Benign. Last evaluated: 2017-04-20. Review status: criteria provided, single submitter. Criteria: Athena Diagnostics Criteria. Collection method: clinical testing. Allele origin: germline. Not counted in ClinVar's aggregate classification.

Eurofins Ntd Llc (ga)
Classification: Benign. Last evaluated: 2015-02-23. Review status: criteria provided, single submitter. Criteria: EGL Classification Definitions 2015. Collection method: clinical testing. Allele origin: germline. Observed: 1 variant allele, 1 heterozygote. Not counted in ClinVar's aggregate classification.

Genome Diagnostics Laboratory, University Medical Center Utrecht
Classification: Benign for Dihydropyrimidine dehydrogenase deficiency. Last evaluated: 2014-10-09. Review status: criteria provided, single submitter. Criteria: ACGS Guidelines, 2013. Collection method: clinical testing. Allele origin: germline. Affected: yes. Study: VKGL Data-share Consensus. Not counted in ClinVar's aggregate classification.

PreventionGenetics, part of Exact Sciences
Classification: Benign for DPYD-related condition. Last evaluated: 2024-03-05. Review status: no assertion criteria provided. Collection method: clinical testing. Allele origin: germline. Not counted in ClinVar's aggregate classification.
Comment: This variant is classified as benign based on ACMG/AMP sequence variant interpretation guidelines (Richards et al. 2015 PMID: 25741868, with internal and published modifications).

Diagnostic Laboratory, Department of Genetics, University Medical Center Groningen
Classification: Benign for Dihydropyrimidine dehydrogenase deficiency. Review status: no assertion criteria provided. Collection method: clinical testing. Allele origin: germline. Affected: yes. Study: VKGL Data-share Consensus. Not counted in ClinVar's aggregate classification.

Diasio Lab,  Mayo Clinic
No classification provided. Review status: no classification provided. Collection method: not provided. Allele origin: unknown. Not counted in ClinVar's aggregate classification.

Literature cited by the submitters: PubMed 19530960 (cited by ClinPGx); PubMed 21498394 (cited by ClinPGx); PubMed 22490566 (cited by ClinPGx); PubMed 24590654 (cited by ClinPGx); PubMed 24647007 (cited by ClinPGx); PubMed 24923815 (cited by ClinPGx); PubMed 25677447 (cited by ClinPGx); PubMed 26099996 (cited by ClinPGx); PubMed 28481884 (cited by ClinPGx); PubMed 29065426 (cited by ClinPGx); PubMed 30114658 (cited by ClinPGx); PubMed 32378051 (cited by ClinPGx); PubMed 11156223 (cited by ClinPGx); PubMed 14635116 (cited by ClinPGx); PubMed 17848752 (cited by ClinPGx); PubMed 18299612 (cited by ClinPGx); PubMed 19473056 (cited by ClinPGx); PubMed 23942539 (cited by ClinPGx); PubMed 26794347 (cited by ClinPGx).